The following is an entry in ClinVar:

NM_015541.3(LRIG1):c.286G>A (p.Glu96Lys)

Gene: LRIG1 (leucine rich repeats and immunoglobulin like domains 1; minus strand). Cytogenetic location: 3p14.1.
Variant type: single nucleotide variant.
Coding change: c.286G>A on transcript NM_015541.3 (MANE Select); coding-DNA position 286, G replaced by A.
Protein change: p.Glu96Lys; replaces glutamic acid 96 with lysine.
Molecular consequence: missense variant. On other transcripts: 5 prime UTR variant (2).
Genome position (GRCh38, 1-based): chr3:66,462,442, C>T on the plus strand (G>A on the coding strand, the complement: LRIG1 is on the minus strand). VCF-style: chr3-66462442-C-T. GRCh37 (hg19) VCF-style: chr3-66512866-C-T.
Other names: c.286G>A, p.Glu96Lys (NM_001377344.1); c.-495G>A (NM_001377345.1, NM_001377346.1); short protein forms E96K.
Identifiers: ClinVar variation 3034239 (VCV003034239.2), dbSNP rs143616236, ClinGen allele CA2485255.
Genomic context (GRCh38, chr3:66,462,442, plus strand): 5'-TTTTCCCAAAGAGCTCTCCATCCTTCCATCCACCAGAGGTTTAGGGGGAGACTCACACTT[C>T]CTGTAGGTTCGGCAAGTCCTCAAAACCAGCAGGGTCAATCTCAGAGAGTTTGTTGTAACT-3'
Protein context (NP_056356.2, residues 86-106): AGFEDLPNLQ[Glu96Lys]VYLNNNELTA

ClinVar aggregate classification (germline): Benign (0 of 4 stars; one submission).

Conditions:
LRIG1-related disorder. Also called: LRIG1-related condition.

Allele frequency attached by ClinVar (database versions not stated): 1000 Genomes Project 30x 0.00031; 1000 Genomes Project 0.00040; TOPMed 0.00067; ESP Exome Variant Server 0.00100; gnomAD exomes 0.00156; gnomAD 0.00179; ExAC 0.00198.
gnomAD v4.1: 2,498 of 1,611,588 alleles (0.16%); highest among the groups gnomAD compares: Non-Finnish European, 0.14%; 11 homozygotes.

Submission:

PreventionGenetics, part of Exact Sciences
Classification: Benign for LRIG1-related condition. Last evaluated: 2020-01-20. Review status: no assertion criteria provided. Collection method: clinical testing. Allele origin: germline.
Comment: This variant is classified as benign based on ACMG/AMP sequence variant interpretation guidelines (Richards et al. 2015 PMID: 25741868, with internal and published modifications).